The following is an entry in ClinVar:

ClinVar aggregate classification (germline): Uncertain significance (1 of 4 stars; one submission).

gnomAD v4.1: 2 of 1,585,178 alleles (0.00013%); highest among the groups gnomAD compares: Non-Finnish European, 0.00017%; no homozygotes.

Submissions (2):

Labcorp Genetics (formerly Invitae), Labcorp
Classification: Uncertain significance. Last evaluated: 2025-12-30. Review status: criteria provided, single submitter. Criteria: Invitae Variant Classification Sherloc (09022015). Collection method: clinical testing. Allele origin: germline.
Comment: This sequence change falls in intron 17 of the AP3D1 gene. It does not directly change the encoded amino acid sequence of the AP3D1 protein. It affects a nucleotide within the consensus splice site. This variant is not present in population databases (gnomAD no frequency). This variant has not been reported in the literature in individuals affected with AP3D1-related conditions. ClinVar contains an entry for this variant (Variation ID: 3622628). Variants that disrupt the consensus splice site are a relatively common cause of aberrant splicing (PMID: 17576681, 9536098). Algorithms developed to predict the effect of sequence changes on RNA splicing suggest that this variant may disrupt the consensus splice site. In summary, the available evidence is currently insufficient to determine the role of this variant in disease. Therefore, it has been classified as a Variant of Uncertain Significance.

Dr. Peter K. Rogan Lab, Western University
No classification provided (evidence only). Condition: Ovarian serous cystadenocarcinoma. Review status: no classification provided. Collection method: in vitro. Allele origin: not applicable. Functional consequence: retained intron. Not counted in ClinVar's aggregate classification.

Literature cited by the submitters: PubMed 17576681 (cited by Labcorp Genetics (formerly Invitae), Labcorp); PubMed 9536098 (cited by Labcorp Genetics (formerly Invitae), Labcorp).

NM_001261826.3(AP3D1):c.2001+4A>G

Gene: AP3D1 (adaptor related protein complex 3 subunit delta 1; minus strand). Cytogenetic location: 19p13.3.
Variant type: single nucleotide variant.
Coding change: c.2001+4A>G on transcript NM_001261826.3 (MANE Select); 4 bases into the intron after coding-DNA position 2001, A replaced by G.
Molecular consequence: intron variant.
Genome position (GRCh38, 1-based): chr19:2,116,601, T>C on the plus strand (A>G on the coding strand, the complement: AP3D1 is on the minus strand). VCF-style: chr19-2116601-T-C. GRCh37 (hg19) VCF-style: chr19-2116600-T-C.
Other names: c.2001+4A>G (NM_003938.8, NM_001374799.1).
Identifiers: ClinVar variation 3622628 (VCV003622628.3).